The following is an entry in ClinVar:

ClinVar aggregate classification (germline): Pathogenic (1 of 4 stars; one submission).

Submission:

Labcorp Genetics (formerly Invitae), Labcorp
Classification: Pathogenic. Last evaluated: 2024-04-25. Review status: criteria provided, single submitter. Criteria: Invitae Variant Classification Sherloc (09022015). Collection method: clinical testing. Allele origin: germline.
Comment: This sequence change creates a premature translational stop signal (p.Arg1412Glnfs*37) in the ALPK3 gene. It is expected to result in an absent or disrupted protein product. Loss-of-function variants in ALPK3 are known to be pathogenic (PMID: 21441111, 26846950, 27106955, 34263907). This variant is not present in population databases (gnomAD no frequency). This variant has not been reported in the literature in individuals affected with ALPK3-related conditions. ClinVar contains an entry for this variant (Variation ID: 2022223). For these reasons, this variant has been classified as Pathogenic.

Literature cited by the submitters: PubMed 21441111; PubMed 26846950; PubMed 27106955; PubMed 34263907.

NM_020778.5(ALPK3):c.3629_3654del (p.Arg1210fs)

Gene: ALPK3 (alpha kinase 3; plus strand). Cytogenetic location: 15q25.3.
Variant type: Deletion.
Coding change: c.3629_3654del on transcript NM_020778.5 (MANE Select); coding-DNA positions 3629 to 3654, 26 bases deleted (GGGAGAGACGCTCCCCTACGCAGGGC).
Protein change: p.Arg1210fs; shifts the reading frame from arginine 1210.
Molecular consequence: frameshift variant.
Genome position (GRCh38, 1-based): chr15:84,858,367-84,858,392, GGGAGAGACGCTCCCCTACGCAGGGC deleted; deleting any 26 consecutive bases within chr15:84,858,361-84,858,392 gives the same sequence; the c. name uses the placement nearest the transcript's 3' end. VCF-style (leftmost placement, unchanged base first): chr15-84858360-CCAGGGCGGGAGAGACGCTCCCCTACG-C. GRCh37 (hg19) VCF-style: chr15-85401591-CCAGGGCGGGAGAGACGCTCCCCTACG-C.
Other names: short protein forms R1210fs.
Identifiers: ClinVar variation 2022223 (VCV002022223.4), dbSNP rs2505722472, ClinGen allele CA2580090128.